The following is an entry in ClinVar:

ClinVar aggregate classification (germline): Pathogenic (1 of 4 stars; one submission).

Conditions:
Bardet-Biedl syndrome (BBS). Identifiers: Orphanet 110, MedGen C0752166, MONDO:0015229.

Allele frequency attached by ClinVar (database versions not stated): gnomAD exomes below 0.00001.
gnomAD v4.1: 2 of 1,614,246 alleles (0.00012%); highest among the groups gnomAD compares: South Asian, 0.0022%; no homozygotes.

Submission:

Women's Health and Genetics/Laboratory Corporation of America, LabCorp
Classification: Pathogenic for Bardet-Biedl syndrome. Last evaluated: 2023-10-13. Review status: criteria provided, single submitter. Criteria: LabCorp Variant Classification Summary - May 2015. Collection method: clinical testing. Allele origin: germline.
Comment: Variant summary: BBS12 c.1589T>C (p.Leu530Pro) results in a non-conservative amino acid change in the encoded protein sequence. Five of five in-silico tools predict a damaging effect of the variant on protein function. The variant was absent in 251464 control chromosomes (gnomAD). c.1589T>C has been reported in the literature in the homozygous state in at least 3 individuals affected with Bardet-Biedl Syndrome (e.g. Harville_2010, Forsythe_2017). These data indicate that the variant is very likely to be associated with disease. To our knowledge, no experimental evidence demonstrating an impact on protein function has been reported. The following publications have been ascertained in the context of this evaluation (PMID: 27659767, 19797195). No submitters have cited clinical-significance assessments for this variant to ClinVar after 2014. Based on the evidence outlined above, the variant was classified as pathogenic.

Literature cited by the submitters: PubMed 27659767; PubMed 19797195.

NM_152618.3(BBS12):c.1589T>C (p.Leu530Pro)

Gene: BBS12 (Bardet-Biedl syndrome 12; plus strand). Cytogenetic location: 4q27.
Variant type: single nucleotide variant.
Coding change: c.1589T>C on transcript NM_152618.3 (MANE Select); coding-DNA position 1589, T replaced by C.
Protein change: p.Leu530Pro; replaces leucine 530 with proline.
Molecular consequence: missense variant.
Genome position (GRCh38, 1-based): chr4:122,743,481, T>C. VCF-style: chr4-122743481-T-C. GRCh37 (hg19) VCF-style: chr4-123664636-T-C.
Other names: c.1589T>C, p.Leu530Pro (NM_001178007.2); short protein forms L530P.
Identifiers: ClinVar variation 2637734 (VCV002637734.1), dbSNP rs2485077370, ClinGen allele CA358225448.